The following is an entry in ClinVar:

ClinVar aggregate classification (germline): Uncertain significance (1 of 4 stars; one submission).

Conditions:
Hearing loss, autosomal dominant 82. Also called: Deafness, autosomal dominant 82. Identifiers: MedGen C5676948, MONDO:0030719, OMIM 619804.
Autosomal recessive nonsyndromic hearing loss 12. Also called: DEAFNESS, AUTOSOMAL RECESSIVE 12. Identifiers: Orphanet 90636, MedGen C1832394, MONDO:0011067, OMIM 601386.

Submission:

Ambry Genetics
Classification: Uncertain significance. Last evaluated: 2026-04-24. Review status: criteria provided, single submitter. Criteria: Ambry Variant Classification Scheme 2023. Collection method: clinical testing. Allele origin: germline.
Comment: The c.727G>A (p.G243R) alteration is located in exon 5 (coding exon 4) of the ATP2B2 gene. This alteration results from a G to A substitution at nucleotide position 727, causing the glycine (G) at amino acid position 243 to be replaced by an arginine (R). This variant was not reported in population-based cohorts in the Genome Aggregation Database (gnomAD). This amino acid position is highly conserved in available vertebrate species. This alteration is predicted to be deleterious by in silico analysis. Based on insufficient or conflicting evidence, the clinical significance of this alteration remains unclear.

NM_001001331.4(ATP2B2):c.727G>A (p.Gly243Arg)

Gene: ATP2B2 (ATPase plasma membrane Ca2+ transporting 2; minus strand). Cytogenetic location: 3p25.3.
Variant type: single nucleotide variant.
Coding change: c.727G>A on transcript NM_001001331.4 (MANE Select); coding-DNA position 727, G replaced by A.
Protein change: p.Gly243Arg; replaces glycine 243 with arginine.
Molecular consequence: missense variant.
Genome position (GRCh38, 1-based): chr3:10,401,007, C>T on the plus strand (G>A on the coding strand, the complement: ATP2B2 is on the minus strand). VCF-style: chr3-10401007-C-T. GRCh37 (hg19) VCF-style: chr3-10442691-C-T.
Other names: c.727G>A (NM_001683.3); c.727G>A, p.Gly243Arg (NM_001330611.3, NM_001353564.1, NM_001363862.1 and 1 more transcripts); short protein forms G243R.
Identifiers: ClinVar variation 2572023 (VCV002572023.3), dbSNP rs2470641573, ClinGen allele CA351774992.